The following is an entry in ClinVar:

ClinVar aggregate classification (germline): Uncertain significance. Review status: criteria provided, multiple submitters, no conflicts (2 of 4 stars). 5 submissions from 5 submitters: Uncertain significance (5). Last evaluated 2025-12-15.

Conditions:
Classic or attenuated familial adenomatous polyposis. Identifiers: MedGen CN372698, MONDO:0021057.
Hereditary cancer-predisposing syndrome. Also called: Neoplastic Syndromes, Hereditary; Tumor predisposition; Hereditary neoplastic syndrome; Hereditary Cancer Syndrome. Identifiers: Orphanet 140162, MedGen C0027672, MeSH D009386, MONDO:0015356.
Familial adenomatous polyposis 1 (FAP1). Also called: FAMILIAL ADENOMATOUS POLYPOSIS 1, ATTENUATED; POLYPOSIS, ADENOMATOUS INTESTINAL. Identifiers: MedGen C2713442, MONDO:0021056, OMIM 175100. Disease mechanism: loss of function.

Allele frequency attached by ClinVar (database versions not stated): gnomAD exomes below 0.00001.
gnomAD v4.1: 2 of 1,613,068 alleles (0.00012%); highest among the groups gnomAD compares: Admixed American, 0.0017%; no homozygotes.

Submissions (5):

Color Diagnostics, LLC DBA Color Health
Classification: Uncertain significance for Hereditary cancer-predisposing syndrome. Last evaluated: 2025-12-15. Review status: criteria provided, single submitter. Criteria: ACMG Guidelines, 2015. Collection method: clinical testing. Allele origin: germline.
Comment: This missense variant replaces threonine with arginine at codon 1787 of the APC protein. Computational prediction suggests that this variant may not impact protein structure and function. To our knowledge, functional studies have not been reported for this variant. This variant has not been reported in individuals affected with hereditary cancer in the literature. This variant has been identified in 1/250382 chromosomes in the general population by the Genome Aggregation Database (gnomAD). The available evidence is insufficient to determine the role of this variant in disease conclusively. Therefore, this variant is classified as a Variant of Uncertain Significance.

Labcorp Genetics (formerly Invitae), Labcorp
Classification: Uncertain significance for Familial adenomatous polyposis 1. Last evaluated: 2024-07-24. Review status: criteria provided, single submitter. Criteria: Invitae Variant Classification Sherloc (09022015). Collection method: clinical testing. Allele origin: germline.
Comment: This sequence change replaces threonine, which is neutral and polar, with arginine, which is basic and polar, at codon 1787 of the APC protein (p.Thr1787Arg). This variant is present in population databases (no rsID available, gnomAD 0.003%). This variant has not been reported in the literature in individuals affected with APC-related conditions. ClinVar contains an entry for this variant (Variation ID: 579136). Advanced modeling of protein sequence and biophysical properties (such as structural, functional, and spatial information, amino acid conservation, physicochemical variation, residue mobility, and thermodynamic stability) performed at Invitae indicates that this missense variant is not expected to disrupt APC protein function with a negative predictive value of 95%. In summary, the available evidence is currently insufficient to determine the role of this variant in disease. Therefore, it has been classified as a Variant of Uncertain Significance.

Baylor Genetics
Classification: Uncertain significance for Familial adenomatous polyposis 1. Last evaluated: 2024-01-16. Review status: criteria provided, single submitter. Criteria: ACMG Guidelines, 2015. Collection method: clinical testing. Allele origin: unknown.

All of Us Research Program, National Institutes of Health
Classification: Uncertain significance for Classic or attenuated familial adenomatous polyposis. Last evaluated: 2023-05-31. Review status: criteria provided, single submitter. Criteria: ACMG Guidelines, 2015. Collection method: clinical testing. Allele origin: germline. Inheritance: Autosomal dominant inheritance. Observed: 1 variant allele, 1 heterozygote.
Comment: This missense variant replaces threonine with arginine at codon 1787 of the APC protein. Computational prediction suggests that this variant may not impact protein structure and function (internally defined REVEL score threshold <= 0.5, PMID: 27666373). To our knowledge, functional studies have not been reported for this variant. This variant has not been reported in individuals affected with hereditary cancer in the literature. This variant has been identified in 1/250382 chromosomes in the general population by the Genome Aggregation Database (gnomAD). The available evidence is insufficient to determine the role of this variant in disease conclusively. Therefore, this variant is classified as a Variant of Uncertain Significance.

This study involves interpretation of variants in research participants for the purpose of population health screening. Participant phenotype was not available at the time of variant classification. Additional details can be found in publication PMID: 35346344, PMCID: PMC8962531

Ambry Genetics
Classification: Uncertain significance for Hereditary cancer-predisposing syndrome. Last evaluated: 2022-06-26. Review status: criteria provided, single submitter. Criteria: Ambry Variant Classification Scheme 2023. Collection method: clinical testing. Allele origin: germline.
Comment: The p.T1787R variant (also known as c.5360C>G), located in coding exon 15 of the APC gene, results from a C to G substitution at nucleotide position 5360. The threonine at codon 1787 is replaced by arginine, an amino acid with similar properties. This amino acid position is conserved. In addition, in silico predictors for this gene do not accurately predict pathogenicity. Since supporting evidence is limited at this time, the clinical significance of this alteration remains unclear.

NM_000038.6(APC):c.5360C>G (p.Thr1787Arg)

Gene: APC (APC regulator of Wnt signaling pathway; plus strand). Cytogenetic location: 5q22.2.
Variant type: single nucleotide variant.
Coding change: c.5360C>G on transcript NM_000038.6 (MANE Select); coding-DNA position 5360, C replaced by G.
Protein change: p.Thr1787Arg; replaces threonine 1787 with arginine.
Molecular consequence: missense variant.
Genome position (GRCh38, 1-based): chr5:112,840,954, C>G. VCF-style: chr5-112840954-C-G. GRCh37 (hg19) VCF-style: chr5-112176651-C-G.
Other names: c.5360C>G, p.Thr1787Arg (NM_001127510.3, NM_001354895.2); c.5306C>G, p.Thr1769Arg (NM_001127511.3); c.5414C>G, p.Thr1805Arg (NM_001354896.2); c.5390C>G, p.Thr1797Arg (NM_001354897.2); c.5285C>G, p.Thr1762Arg (NM_001354898.2); c.5276C>G, p.Thr1759Arg (NM_001354899.2); c.5237C>G, p.Thr1746Arg (NM_001354900.2); c.5183C>G, p.Thr1728Arg (NM_001354901.2); and 5 more; short protein forms T1787R, T1769R, T1504R, T1759R, T1686R, T1728R, T1746R, T1797R.
Identifiers: ClinVar variation 579136 (VCV000579136.15), dbSNP rs1373471882, ClinGen allele CA16033050.